The following is an entry in ClinVar:

ClinVar aggregate classification (germline): Uncertain significance. Review status: criteria provided, multiple submitters, no conflicts (2 of 4 stars). 4 submissions from 4 submitters: Uncertain significance (4). Last evaluated 2025-12-22.

Conditions:
Sessile serrated polyposis cancer syndrome (SSPCS). Identifiers: Orphanet 157798, MedGen C4310714, MONDO:0014919, OMIM 617108.

Allele frequency attached by ClinVar (database versions not stated): TOPMed 0.00001.
gnomAD v4.1: 1 of 1,614,006 alleles (0.000062%); no homozygotes.

Submissions (4):

Labcorp Genetics (formerly Invitae), Labcorp
Classification: Uncertain significance. Last evaluated: 2025-12-22. Review status: criteria provided, single submitter. Criteria: Invitae Variant Classification Sherloc (09022015). Collection method: clinical testing. Allele origin: germline.
Comment: This sequence change replaces serine, which is neutral and polar, with glycine, which is neutral and non-polar, at codon 502 of the RNF43 protein (p.Ser502Gly). This variant is not present in population databases (gnomAD no frequency). This missense change has been observed in individual(s) with gastric cancer (PMID: 33525650). ClinVar contains an entry for this variant (Variation ID: 2678420). An algorithm developed to predict the effect of missense changes on protein structure and function (PolyPhen-2) suggests that this variant is likely to be disruptive. In summary, the available evidence is currently insufficient to determine the role of this variant in disease. Therefore, it has been classified as a Variant of Uncertain Significance.

Ambry Genetics
Classification: Uncertain significance. Last evaluated: 2025-08-07. Review status: criteria provided, single submitter. Criteria: Ambry Variant Classification Scheme 2023. Collection method: clinical testing. Allele origin: germline.
Comment: The p.S502G variant (also known as c.1504A>G), located in coding exon 8 of the RNF43 gene, results from an A to G substitution at nucleotide position 1504. The serine at codon 502 is replaced by glycine, an amino acid with similar properties. This amino acid position is highly conserved in available vertebrate species. In addition, this alteration is predicted to be tolerated by in silico analysis. The evidence for this gene-disease relationship is limited; therefore, the clinical significance of this alteration is unclear.

Baylor Genetics
Classification: Uncertain significance for Sessile serrated polyposis cancer syndrome. Last evaluated: 2023-06-06. Review status: criteria provided, single submitter. Criteria: ACMG Guidelines, 2015. Collection method: clinical testing. Allele origin: unknown.

GeneDx
Classification: Uncertain significance. Last evaluated: 2022-11-14. Review status: criteria provided, single submitter. Criteria: GeneDx Variant Classification Process June 2021. Collection method: clinical testing. Allele origin: germline. Affected: yes.
Comment: Not observed at significant frequency in large population cohorts (gnomAD); In silico analysis supports that this missense variant has a deleterious effect on protein structure/function; Variants in candidate genes are classified as variants of uncertain significance in accordance with ACMG guidelines (Richards et al., 2015); Observed in an individual with gastric cancer in the published literature (Herrera-Pariente et al., 2021); This variant is associated with the following publications: (PMID: 33525650)

Literature cited by the submitters: PubMed 33525650 (cited by Labcorp Genetics (formerly Invitae), Labcorp).

NM_017763.6(RNF43):c.1504A>G (p.Ser502Gly)

Gene: RNF43 (ring finger protein 43; minus strand). Cytogenetic location: 17q22.
Variant type: single nucleotide variant.
Coding change: c.1504A>G on transcript NM_017763.6 (MANE Select); coding-DNA position 1504, A replaced by G.
Protein change: p.Ser502Gly; replaces serine 502 with glycine.
Molecular consequence: missense variant.
Genome position (GRCh38, 1-based): chr17:58,358,272, T>C on the plus strand (A>G on the coding strand, the complement: RNF43 is on the minus strand). VCF-style: chr17-58358272-T-C. GRCh37 (hg19) VCF-style: chr17-56435633-T-C.
Other names: c.1504A>G (NM_017763.4); c.1504A>G, p.Ser502Gly (NM_001305544.3); c.1123A>G, p.Ser375Gly (NM_001305545.2); short protein forms S375G, S502G.
Identifiers: ClinVar variation 2678420 (VCV002678420.4), dbSNP rs1219556763, ClinGen allele CA400329624.
Genomic context (GRCh38, chr17:58,358,272, plus strand): 5'-TGTCCACTCGCTGGGGATCCCCTTTAGGGCTGCAGTACACTAGGGGGTCAAAGTCACTGC[T>C]TAGGGAGCTGCAGAAAGTAGAACTGCTGCCATGGACCCCCTGTAGGCTGATGTCCGTGCA-3'
Protein context (NP_060233.3, residues 492-512): GSSSTFCSSL[Ser502Gly]SDFDPLVYCS